The following is an entry in ClinVar:

NC_000005.10:g.(?_80775684)_(80775768_?)del

Gene: MSH3 (mutS homolog 3; plus strand). Cytogenetic location: 5q14.1.
Variant type: Deletion.
Identifiers: ClinVar variation 665026 (VCV000665026.6).

ClinVar aggregate classification (germline): Pathogenic (1 of 4 stars; one submission).

Submission:

Labcorp Genetics (formerly Invitae), Labcorp
Classification: Pathogenic. Last evaluated: 2022-09-24. Review status: criteria provided, single submitter. Criteria: Invitae Variant Classification Sherloc (09022015). Collection method: clinical testing. Allele origin: germline.
Comment: This variant is a gross deletion of the genomic region encompassing exon(s) 16 of the MSH3 gene. This deletion is out-of-frame, and is expected to create a premature termination codon and result in an absent or disrupted protein product. Loss-of-function variants in MSH3 are known to be pathogenic (PMID: 27476653). This variant has not been reported in the literature in individuals affected with MSH3-related conditions. For these reasons, this variant has been classified as Pathogenic.

Literature cited by the submitters: PubMed 27476653.